The following is an entry in ClinVar:

ClinVar aggregate classification (germline): Uncertain significance (1 of 4 stars; one submission).

Submission:

Labcorp Genetics (formerly Invitae), Labcorp
Classification: Uncertain significance. Last evaluated: 2025-04-28. Review status: criteria provided, single submitter. Criteria: Invitae Variant Classification Sherloc (09022015). Collection method: clinical testing. Allele origin: germline.
Comment: This sequence change replaces threonine, which is neutral and polar, with isoleucine, which is neutral and non-polar, at codon 45 of the SCLT1 protein (p.Thr45Ile). This variant is not present in population databases (gnomAD no frequency). This variant has not been reported in the literature in individuals affected with SCLT1-related conditions. ClinVar contains an entry for this variant (Variation ID: 1014620). An algorithm developed to predict the effect of missense changes on protein structure and function outputs the following: PolyPhen-2: "Benign". The isoleucine amino acid residue is found in multiple mammalian species, which suggests that this missense change does not adversely affect protein function. In summary, the available evidence is currently insufficient to determine the role of this variant in disease. Therefore, it has been classified as a Variant of Uncertain Significance.

NM_144643.4(SCLT1):c.134C>T (p.Thr45Ile)

Gene: SCLT1 (sodium channel and clathrin linker 1; minus strand). Cytogenetic location: 4q28.2.
Variant type: single nucleotide variant.
Coding change: c.134C>T on transcript NM_144643.4 (MANE Select); coding-DNA position 134, C replaced by T.
Protein change: p.Thr45Ile; replaces threonine 45 with isoleucine.
Molecular consequence: missense variant.
Genome position (GRCh38, 1-based): chr4:129,044,020, G>A on the plus strand (C>T on the coding strand, the complement: SCLT1 is on the minus strand). VCF-style: chr4-129044020-G-A. GRCh37 (hg19) VCF-style: chr4-129965175-G-A.
Other names: c.134C>T, p.Thr45Ile (NM_001300897.2, NM_001300898.2); short protein forms T45I.
Identifiers: ClinVar variation 1014620 (VCV001014620.8), dbSNP rs1747947384, ClinGen allele CA358187889.